The following is an entry in ClinVar:

NM_024312.5(GNPTAB):c.2685dup (p.Lys896fs)

Gene: GNPTAB (N-acetylglucosamine-1-phosphate transferase subunits alpha and beta; minus strand). Cytogenetic location: 12q23.2.
Variant type: Duplication.
Coding change: c.2685dup on transcript NM_024312.5 (MANE Select); coding-DNA position 2685, one base duplicated (G; older notation c.2685dupG).
Protein change: p.Lys896fs; shifts the reading frame from lysine 896.
Molecular consequence: frameshift variant.
Genome position (GRCh38, 1-based): chr12:101,764,232, C duplicated on the plus strand (G on the coding strand, the reverse complement: GNPTAB is on the minus strand). VCF-style (leftmost placement, unchanged base first): chr12-101764231-T-TC. GRCh37 (hg19) VCF-style: chr12-102158009-T-TC.
Other names: short protein forms K896fs.
Identifiers: ClinVar variation 5012414 (VCV005012414.1).

ClinVar aggregate classification (germline): Pathogenic (1 of 4 stars; one submission).

Conditions:
GNPTAB-mucolipidosis. Also called: UDP-N-acetylglucosamine-1-phosphotransferase subunit alpha/beta deficiency. Identifiers: MedGen CN322573, MONDO:0100122.

Submission:

Myriad Genetics, Inc.
Classification: Pathogenic for GNPTAB-mucolipidosis. Last evaluated: 2023-10-22. Review status: criteria provided, single submitter. Criteria: Myriad Autosomal Dominant, Autosomal Recessive and X-Linked Classification Criteria (2023). Collection method: clinical testing. Allele origin: unknown.
Comment: NM_024312.4(GNPTAB):c.2685dupG(K896Efs*24) is expected to be pathogenic in the context of GNPTAB-related disorders. This variant is predicted to lead to an abnormal or absent protein product due to the creation of a premature termination codon in GNPTAB, a gene where loss-of-function variants are known to be pathogenic. Please note: this variant was assessed in the context of healthy population screening.